The following is an entry in ClinVar:

NM_003482.4(KMT2D):c.3266G>A (p.Ser1089Asn)

Gene: KMT2D (lysine methyltransferase 2D; minus strand). Cytogenetic location: 12q13.12.
Variant type: single nucleotide variant.
Coding change: c.3266G>A on transcript NM_003482.4 (MANE Select); coding-DNA position 3266, G replaced by A.
Protein change: p.Ser1089Asn; replaces serine 1089 with asparagine.
Molecular consequence: missense variant.
Genome position (GRCh38, 1-based): chr12:49,050,322, C>T on the plus strand (G>A on the coding strand, the complement: KMT2D is on the minus strand). VCF-style: chr12-49050322-C-T. GRCh37 (hg19) VCF-style: chr12-49444105-C-T.
Other names: short protein forms S1089N.
Identifiers: ClinVar variation 4882829 (VCV004882829.2).

ClinVar aggregate classification (germline): Uncertain significance (1 of 4 stars; one submission).

Submission:

Dasa
Classification: Uncertain significance. Last evaluated: 2025-05-22. Review status: criteria provided, single submitter. Criteria: DASA Assertion Criteria. Collection method: clinical testing. Allele origin: germline.
Comment: NM_003482.4(KMT2D):c.3266G>A (p.Ser1089Asn) is a missense variant that results in the substitution of serine with asparagine. This variant is absent from population databases. Computational prediction algorithms are consistent with a benign effect. The currently available literature and clinical evidence are not sufficient to establish a definitive association between this variant and the reported condition. Therefore, this variant is classified as a variant of uncertain significance.